The following is an entry in ClinVar:

ClinVar aggregate classification (germline): Likely benign. Review status: criteria provided, multiple submitters, no conflicts (2 of 4 stars). 4 submissions from 4 submitters: Likely benign (4). Last evaluated 2025-11-13.

Conditions:
Hereditary cancer-predisposing syndrome. Also called: Neoplastic Syndromes, Hereditary; Tumor predisposition; Hereditary Cancer Syndrome; Hereditary neoplastic syndrome. Identifiers: Orphanet 140162, MedGen C0027672, MeSH D009386, MONDO:0015356.
Gorlin syndrome. Also called: Nevoid Basal Cell Carcinoma Syndrome; Basal cell nevus syndrome. Identifiers: Orphanet 377, MedGen C0004779, MONDO:0007187.
PTCH1-related disorder. Also called: PTCH1-related disorders; PTCH1-related condition.

Allele frequency attached by ClinVar (database versions not stated): gnomAD exomes below 0.00001 and 0.00001; ExAC 0.00001; TOPMed 0.00001; gnomAD 0.00002.
gnomAD v4.1: 8 of 1,614,080 alleles (0.0005%); highest among the groups gnomAD compares: Non-Finnish European, 0.00068%; no homozygotes.

Submissions (4):

Labcorp Genetics (formerly Invitae), Labcorp
Classification: Likely benign for Gorlin syndrome. Last evaluated: 2025-11-13. Review status: criteria provided, single submitter. Criteria: Invitae Variant Classification Sherloc (09022015). Collection method: clinical testing. Allele origin: germline.

PreventionGenetics, part of Exact Sciences
Classification: Likely benign for PTCH1-related condition. Last evaluated: 2024-12-17. Review status: criteria provided, single submitter. Criteria: ACMG Guidelines, 2015. Collection method: clinical testing. Allele origin: germline.
Comment: This variant is classified as likely benign based on ACMG/AMP sequence variant interpretation guidelines (Richards et al. 2015 PMID: 25741868, with internal and published modifications).

Sema4
Classification: Likely benign for Hereditary cancer-predisposing syndrome. Last evaluated: 2022-02-17. Review status: criteria provided, single submitter. Criteria: Sema4 Curation Guidelines. Collection method: curation. Allele origin: germline.

Ambry Genetics
Classification: Likely benign for Hereditary cancer-predisposing syndrome. Last evaluated: 2020-03-20. Review status: criteria provided, single submitter. Criteria: Ambry Variant Classification Scheme 2023. Collection method: clinical testing. Allele origin: germline.

NM_000264.5(PTCH1):c.3429T>C (p.Ser1143=)

Gene: PTCH1 (patched 1; minus strand). Cytogenetic location: 9q22.32.
Variant type: single nucleotide variant.
Coding change: c.3429T>C on transcript NM_000264.5 (MANE Select); coding-DNA position 3429, T replaced by C.
Protein change: p.Ser1143=; no amino-acid change (serine 1143 retained).
Molecular consequence: synonymous variant. On other transcripts: non-coding transcript variant (1).
Genome position (GRCh38, 1-based): chr9:95,453,498, A>G on the plus strand (T>C on the coding strand, the complement: PTCH1 is on the minus strand). VCF-style: chr9-95453498-A-G. GRCh37 (hg19) VCF-style: chr9-98215780-A-G.
Other names: c.3231T>C, p.Ser1077= (NM_001083602.3); c.3426T>C, p.Ser1142= (NM_001083603.3); c.2976T>C, p.Ser992= (NM_001083604.3, NM_001083605.3, NM_001083606.3 and 1 more transcripts); c.3273T>C, p.Ser1091= (NM_001354918.2).
Identifiers: ClinVar variation 215698 (VCV000215698.15), dbSNP rs778900289, ClinGen allele CA338239.